The following is an entry in ClinVar:

NM_000264.5(PTCH1):c.3280G>A (p.Val1094Met)

Gene: PTCH1 (patched 1; minus strand). Cytogenetic location: 9q22.32.
Variant type: single nucleotide variant.
Coding change: c.3280G>A on transcript NM_000264.5 (MANE Select); coding-DNA position 3280, G replaced by A.
Protein change: p.Val1094Met; replaces valine 1094 with methionine.
Molecular consequence: missense variant. On other transcripts: non-coding transcript variant (1).
Genome position (GRCh38, 1-based): chr9:95,456,302, C>T on the plus strand (G>A on the coding strand, the complement: PTCH1 is on the minus strand). VCF-style: chr9-95456302-C-T. GRCh37 (hg19) VCF-style: chr9-98218584-C-T.
Other names: c.2827G>A, p.Val943Met (NM_001083607.3, NM_001083604.3, NM_001083605.3 and 1 more transcripts); c.3124G>A, p.Val1042Met (NM_001354918.2); c.3082G>A, p.Val1028Met (NM_001083602.3); c.3277G>A, p.Val1093Met (NM_001083603.3); short protein forms V943M, V1028M, V1094M, V1042M, V1093M.
Identifiers: ClinVar variation 823412 (VCV000823412.12), dbSNP rs1588535447, ClinGen allele CA374112007.

ClinVar aggregate classification (germline): Uncertain significance. Review status: criteria provided, multiple submitters, no conflicts (2 of 4 stars). 2 submissions from 2 submitters: Uncertain significance (2). Last evaluated 2026-07-07.

Conditions:
Hereditary cancer-predisposing syndrome. Also called: Tumor predisposition; Hereditary neoplastic syndrome; Neoplastic Syndromes, Hereditary; Hereditary Cancer Syndrome. Identifiers: Orphanet 140162, MedGen C0027672, MeSH D009386, MONDO:0015356.
Gorlin syndrome. Also called: Basal cell nevus syndrome; Nevoid Basal Cell Carcinoma Syndrome. Identifiers: Orphanet 377, MedGen C0004779, MONDO:0007187.

Submissions (2):

Ambry Genetics
Classification: Uncertain significance for Hereditary cancer-predisposing syndrome. Last evaluated: 2026-07-07. Review status: criteria provided, single submitter. Criteria: Ambry Variant Classification Scheme 2023. Collection method: clinical testing. Allele origin: germline.
Comment: The p.V1094M variant (also known as c.3280G>A), located in coding exon 19 of the PTCH1 gene, results from a G to A substitution at nucleotide position 3280. The valine at codon 1094 is replaced by methionine, an amino acid with highly similar properties. This amino acid position is highly conserved in available vertebrate species. In addition, this alteration is predicted to be deleterious by in silico analysis. Based on the available evidence, the clinical significance of this variant remains unclear.

Labcorp Genetics (formerly Invitae), Labcorp
Classification: Uncertain significance for Gorlin syndrome. Last evaluated: 2021-08-31. Review status: criteria provided, single submitter. Criteria: Invitae Variant Classification Sherloc (09022015). Collection method: clinical testing. Allele origin: germline.
Comment: This sequence change replaces valine with methionine at codon 1094 of the PTCH1 protein (p.Val1094Met). The valine residue is highly conserved and there is a small physicochemical difference between valine and methionine. This variant is not present in population databases (ExAC no frequency). This variant has not been reported in the literature in individuals affected with PTCH1-related conditions. ClinVar contains an entry for this variant (Variation ID: 823412). Advanced modeling of protein sequence and biophysical properties (such as structural, functional, and spatial information, amino acid conservation, physicochemical variation, residue mobility, and thermodynamic stability) performed at Invitae indicates that this missense variant is expected to disrupt PTCH1 protein function. In summary, the available evidence is currently insufficient to determine the role of this variant in disease. Therefore, it has been classified as a Variant of Uncertain Significance.